The following is an entry in ClinVar:

ClinVar aggregate classification (germline): Conflicting classifications of pathogenicity. Review status: criteria provided, conflicting classifications (1 of 4 stars). 2 submissions from 2 submitters: Uncertain significance (1); Likely benign (1). Last evaluated 2024-04-08.

Conditions:
Juvenile cataract-microcornea-renal glucosuria syndrome. Also called: CATARACT 47; CATARACT, JUVENILE, WITH MICROCORNEA; Cataract 47, juvenile, with microcornea. Identifiers: Orphanet 247794, MedGen C4310806, MONDO:0012786, OMIM 612018.

Allele frequency attached by ClinVar (database versions not stated): ESP Exome Variant Server 0.00008.
gnomAD v4.1: 24 of 1,614,050 alleles (0.0015%); highest among the groups gnomAD compares: African/African-American, 0.004%; no homozygotes.

Submissions (2):

Fulgent Genetics
Classification: Uncertain significance for Juvenile cataract-microcornea-renal glucosuria syndrome. Last evaluated: 2024-04-08. Review status: criteria provided, single submitter. Criteria: ACMG Guidelines, 2015. Collection method: clinical testing. Allele origin: germline.

CeGaT Center for Human Genetics Tuebingen
Classification: Likely benign. Last evaluated: 2024-02-01. Review status: criteria provided, single submitter. Criteria: CeGaT Center For Human Genetics Tuebingen Variant Classification Criteria Version 2. Collection method: clinical testing. Allele origin: germline. Affected: yes. Observed: 1 variant allele.
Comment: SLC16A12: BP4

NM_213606.4(SLC16A12):c.862G>A (p.Val288Ile)

Gene: SLC16A12 (solute carrier family 16 member 12; minus strand). Cytogenetic location: 10q23.31.
Variant type: single nucleotide variant.
Coding change: c.862G>A on transcript NM_213606.4 (MANE Select); coding-DNA position 862, G replaced by A.
Protein change: p.Val288Ile; replaces valine 288 with isoleucine.
Molecular consequence: missense variant.
Genome position (GRCh38, 1-based): chr10:89,438,770, C>T on the plus strand (G>A on the coding strand, the complement: SLC16A12 is on the minus strand). VCF-style: chr10-89438770-C-T. GRCh37 (hg19) VCF-style: chr10-91198527-C-T.
Other names: short protein forms V288I.
Identifiers: ClinVar variation 3025985 (VCV003025985.23), dbSNP rs145964337, ClinGen allele CA5595421.